The following is an entry in ClinVar:

NM_000059.4(BRCA2):c.5530T>A (p.Phe1844Ile)

Gene: BRCA2 (BRCA2 DNA repair associated; plus strand). Cytogenetic location: 13q13.1.
Variant type: single nucleotide variant.
Coding change: c.5530T>A on transcript NM_000059.4 (MANE Select); coding-DNA position 5530, T replaced by A.
Protein change: p.Phe1844Ile; replaces phenylalanine 1844 with isoleucine.
Molecular consequence: missense variant.
Genome position (GRCh38, 1-based): chr13:32,339,885, T>A. VCF-style: chr13-32339885-T-A. GRCh37 (hg19) VCF-style: chr13-32914022-T-A.
Other names: short protein forms F1844I.
Identifiers: ClinVar variation 956229 (VCV000956229.11), dbSNP rs2072531391, ClinGen allele CA387785912.

ClinVar aggregate classification (germline): Conflicting classifications of pathogenicity. Review status: criteria provided, conflicting classifications (1 of 4 stars). 2 submissions from 2 submitters: Uncertain significance (1); Likely benign (1). Last evaluated 2024-04-16.

Conditions:
Hereditary breast ovarian cancer syndrome. Also called: Hereditary breast and ovarian cancer; Hereditary breast and/or ovarian cancer syndrome; Hereditary breast and ovarian cancer syndrome; Hereditary breast and ovarian cancer syndrome (HBOC); Breast and ovarian cancer; BRCA1- and BRCA2-Associated Hereditary Breast and Ovarian Cancer. Identifiers: Orphanet 145, MedGen C0677776, MeSH D061325, MONDO:0003582. Disease mechanism: loss of function.
Hereditary cancer-predisposing syndrome. Also called: Hereditary neoplastic syndrome; Tumor predisposition; Neoplastic Syndromes, Hereditary; Hereditary Cancer Syndrome. Identifiers: Orphanet 140162, MedGen C0027672, MeSH D009386, MONDO:0015356.

Submissions (2):

Labcorp Genetics (formerly Invitae), Labcorp
Classification: Uncertain significance for Hereditary breast ovarian cancer syndrome. Last evaluated: 2024-04-16. Review status: criteria provided, single submitter. Criteria: Invitae Variant Classification Sherloc (09022015). Collection method: clinical testing. Allele origin: germline.
Comment: This sequence change replaces phenylalanine, which is neutral and non-polar, with isoleucine, which is neutral and non-polar, at codon 1844 of the BRCA2 protein (p.Phe1844Ile). This variant is not present in population databases (gnomAD no frequency). This missense change has been observed in individual(s) with pancreatic ductal adenocarcinoma (PMID: 28767289). ClinVar contains an entry for this variant (Variation ID: 956229). Advanced modeling of protein sequence and biophysical properties (such as structural, functional, and spatial information, amino acid conservation, physicochemical variation, residue mobility, and thermodynamic stability) performed at Invitae indicates that this missense variant is not expected to disrupt BRCA2 protein function with a negative predictive value of 95%. In summary, the available evidence is currently insufficient to determine the role of this variant in disease. Therefore, it has been classified as a Variant of Uncertain Significance.

University of Washington Department of Laboratory Medicine, University of Washington
Classification: Likely benign for Hereditary cancer-predisposing syndrome. Last evaluated: 2023-03-23. Review status: criteria provided, single submitter. Criteria: Dines et al. (Genet Med. 2020). Collection method: curation. Allele origin: germline.
Comment: Missense variant in a coldspot region where missense variants are very unlikely to be pathogenic (PMID:31911673).

BRCA2 exon 11 coldspot. Reclassification based on statistical prior probability.

Literature cited by the submitters: PubMed 28767289 (cited by Labcorp Genetics (formerly Invitae), Labcorp).